The following is an entry in ClinVar:

ClinVar aggregate classification (germline): Benign. Review status: criteria provided, multiple submitters, no conflicts (2 of 4 stars). 2 submissions from 2 submitters: Benign (2). Last evaluated 2018-06-16.

Allele frequency attached by ClinVar (database versions not stated): gnomAD 0.61297 and 0.61519; TOPMed 0.62220; 1000 Genomes Project 0.72524; 1000 Genomes Project 30x 0.72611.
gnomAD v4.1: 93,328 of 152,130 alleles (61%); highest among the groups gnomAD compares: African/African-American, 84%; 30,663 homozygotes.

Submissions (2):

GeneDx
Classification: Benign. Last evaluated: 2018-06-16. Review status: criteria provided, single submitter. Criteria: GeneDx Variant Classification (06012015). Collection method: clinical testing. Allele origin: germline. Affected: yes.
Comment: This variant is considered likely benign or benign based on one or more of the following criteria: it is a conservative change, it occurs at a poorly conserved position in the protein, it is predicted to be benign by multiple in silico algorithms, and/or has population frequency not consistent with disease.

Breakthrough Genomics
Classification: Benign. Review status: criteria provided, single submitter. Criteria: ACMG Guidelines, 2015. Collection method: not provided. Allele origin: germline. Inheritance: Autosomal dominant inheritance. Affected: yes.

NM_017617.5(NOTCH1):c.141-230T>C

Gene: NOTCH1 (notch receptor 1; minus strand). Cytogenetic location: 9q34.3.
Variant type: single nucleotide variant.
Coding change: c.141-230T>C on transcript NM_017617.5 (MANE Select); 230 bases into the intron before coding-DNA position 141, T replaced by C.
Molecular consequence: intron variant.
Genome position (GRCh38, 1-based): chr9:136,524,209, A>G on the plus strand (T>C on the coding strand, the complement: NOTCH1 is on the minus strand). VCF-style: chr9-136524209-A-G. GRCh37 (hg19) VCF-style: chr9-139418661-A-G.
Identifiers: ClinVar variation 678139 (VCV000678139.2), dbSNP rs4489421, ClinGen allele CA13004117.